The following is an entry in ClinVar:

ClinVar aggregate classification (germline): Uncertain significance (1 of 4 stars; one submission).

Conditions:
Catecholaminergic polymorphic ventricular tachycardia 1. Also called: RYR2-Related Catecholaminergic Polymorphic Ventricular Tachycardia; VENTRICULAR TACHYCARDIA, CATECHOLAMINERGIC POLYMORPHIC, 1, WITH OR WITHOUT ATRIAL DYSFUNCTION AND/OR DILATED CARDIOMYOPATHY; VENTRICULAR TACHYCARDIA, STRESS-INDUCED POLYMORPHIC 1. Identifiers: Orphanet 3286, MedGen C1631597, MONDO:0011484, OMIM 604772.

Submission:

Labcorp Genetics (formerly Invitae), Labcorp
Classification: Uncertain significance for Catecholaminergic polymorphic ventricular tachycardia 1. Last evaluated: 2025-06-03. Review status: criteria provided, single submitter. Criteria: Invitae Variant Classification Sherloc (09022015). Collection method: clinical testing. Allele origin: germline.
Comment: This sequence change creates a premature translational stop signal (p.Arg3058Serfs*52) in the RYR2 gene. It is expected to result in an absent or disrupted protein product. However, the current clinical and genetic evidence is not sufficient to establish whether loss-of-function variants in RYR2 cause disease. This variant is not present in population databases (gnomAD no frequency). This variant has not been reported in the literature in individuals affected with RYR2-related conditions. In summary, the available evidence is currently insufficient to determine the role of this variant in disease. Therefore, it has been classified as a Variant of Uncertain Significance.

NM_001035.3(RYR2):c.9174_9175del (p.Arg3058fs)

Gene: RYR2 (ryanodine receptor 2; plus strand). Cytogenetic location: 1q43.
Variant type: Microsatellite.
Coding change: c.9174_9175del on transcript NM_001035.3 (MANE Select); coding-DNA positions 9174 to 9175, 2 bases deleted (AG; older notation c.9174_9175delAG).
Protein change: p.Arg3058fs; shifts the reading frame from arginine 3058.
Molecular consequence: frameshift variant.
Genome position (GRCh38, 1-based): chr1:237,700,274-237,700,275, AG deleted; deleting any 2 consecutive bases within chr1:237,700,272-237,700,275 gives the same sequence; the c. name uses the placement nearest the transcript's 3' end. VCF-style (leftmost placement, unchanged base first): chr1-237700271-CAG-C. GRCh37 (hg19) VCF-style: chr1-237863571-CAG-C.
Other names: short protein forms R3058fs.
Identifiers: ClinVar variation 4704350 (VCV004704350.1).